The following is an entry in ClinVar:

ClinVar aggregate classification (germline): Likely benign. Review status: criteria provided, multiple submitters, no conflicts (2 of 4 stars). 2 submissions from 2 submitters: Likely benign (2). Last evaluated 2025-03-24.

Conditions:
Biotin-responsive basal ganglia disease (BTBGD). Also called: Thiamine metabolism dysfunction syndrome type 2; THIAMINE METABOLISM DYSFUNCTION SYNDROME 2 (BIOTIN- AND THIAMINE-RESPONSIVE TYPE); Thiamine metabolism dysfunction syndrome 2 (biotin- or thiamine-responsive encephalopathy type 2); thiamine-responsive encephalopathy; Thiamine Transporter-2 Deficiency. Identifiers: Orphanet 199348, Orphanet 65284, MedGen C1843807, MONDO:0011841, OMIM 607483.

gnomAD v4.1: 5 of 1,614,054 alleles (0.00031%); highest among the groups gnomAD compares: African/African-American, 0.0013%; no homozygotes.

Submissions (2):

Mayo Clinic Laboratories, Mayo Clinic
Classification: Likely benign. Last evaluated: 2025-03-24. Review status: criteria provided, single submitter. Criteria: ACMG Guidelines, 2015. Collection method: clinical testing. Allele origin: germline. Observed: 1 variant allele.
Comment: PM2_supporting

Labcorp Genetics (formerly Invitae), Labcorp
Classification: Likely benign for Biotin-responsive basal ganglia disease. Last evaluated: 2024-02-02. Review status: criteria provided, single submitter. Criteria: Invitae Variant Classification Sherloc (09022015). Collection method: clinical testing. Allele origin: germline.

NM_025243.4(SLC19A3):c.465G>A (p.Ser155=)

Gene: SLC19A3 (solute carrier family 19 member 3; minus strand). Cytogenetic location: 2q36.3.
Variant type: single nucleotide variant.
Coding change: c.465G>A on transcript NM_025243.4 (MANE Select); coding-DNA position 465, G replaced by A.
Protein change: p.Ser155=; no amino-acid change (serine 155 retained).
Molecular consequence: synonymous variant.
Genome position (GRCh38, 1-based): chr2:227,699,250, C>T on the plus strand (G>A on the coding strand, the complement: SLC19A3 is on the minus strand). VCF-style: chr2-227699250-C-T. GRCh37 (hg19) VCF-style: chr2-228563966-C-T.
Other names: p.Ser155=; c.465G>A, p.Ser155= (NM_001371411.1, NM_001371412.1); c.453G>A, p.Ser151= (NM_001371413.1, NM_001371414.1).
Identifiers: ClinVar variation 3702737 (VCV003702737.3).
Genomic context (GRCh38, chr2:227,699,250, plus strand): 5'-TATGACGTTGAGGTAAAAGTACGACATGTTCGCCAGGGATACCAAGAGTTGAGCCAGCAC[C>T]GACCCTGCTGTGTAGGCGGCCAGCGTGACGCTCCTGCAGTAGCCGCTCACTCTCTGGTAG-3'
Protein context (NP_079519.1, residues 145-165): SVTLAAYTAG[Ser155=]VLAQLLVSLA